The following is an entry in ClinVar:

ClinVar aggregate classification (germline): Likely benign. Review status: criteria provided, multiple submitters, no conflicts (2 of 4 stars). 2 submissions from 2 submitters: Likely benign (2). Last evaluated 2022-10-14.

Conditions:
Early-infantile DEE. Also called: Early infantile epileptic encephalopathy with suppression bursts; Early infantile epileptic encephalopathy; Ohtahara syndrome. Identifiers: Orphanet 1934, MedGen C0393706, MONDO:0800491.

Allele frequency attached by ClinVar (database versions not stated): gnomAD exomes below 0.00001; ExAC 0.00001.

Submissions (2):

Labcorp Genetics (formerly Invitae), Labcorp
Classification: Likely benign for Early-infantile DEE. Last evaluated: 2022-10-14. Review status: criteria provided, single submitter. Criteria: Invitae Variant Classification Sherloc (09022015). Collection method: clinical testing. Allele origin: germline.

GeneDx
Classification: Likely benign. Last evaluated: 2018-05-24. Review status: criteria provided, single submitter. Criteria: GeneDx Variant Classification (06012015). Collection method: clinical testing. Allele origin: germline. Affected: yes.
Comment: This variant is considered likely benign or benign based on one or more of the following criteria: it is a conservative change, it occurs at a poorly conserved position in the protein, it is predicted to be benign by multiple in silico algorithms, and/or has population frequency not consistent with disease.

NM_001130438.3(SPTAN1):c.513T>C (p.Ile171=)

Gene: SPTAN1 (spectrin alpha, non-erythrocytic 1; plus strand). Cytogenetic location: 9q34.11.
Variant type: single nucleotide variant.
Coding change: c.513T>C on transcript NM_001130438.3 (MANE Select); coding-DNA position 513, T replaced by C.
Protein change: p.Ile171=; no amino-acid change (isoleucine 171 retained).
Molecular consequence: synonymous variant.
Genome position (GRCh38, 1-based): chr9:128,575,207, T>C. VCF-style: chr9-128575207-T-C. GRCh37 (hg19) VCF-style: chr9-131337486-T-C.
Other names: c.513T>C, p.Ile171= (NM_001195532.2, NM_001363759.2, NM_001363765.2 and 1 more transcripts).
Identifiers: ClinVar variation 668635 (VCV000668635.5), dbSNP rs777942959, ClinGen allele CA5264204.